The following is an entry in ClinVar:

ClinVar aggregate classification (germline): Likely benign. Review status: criteria provided, multiple submitters, no conflicts (2 of 4 stars). 3 submissions from 3 submitters: Likely benign (3). Last evaluated 2026-04-01.

Allele frequency attached by ClinVar (database versions not stated): 1000 Genomes Project 30x 0.00016; gnomAD exomes 0.00027 and 0.00016; gnomAD 0.00004 and 0.00001; ExAC 0.00032; TOPMed 0.00002; 1000 Genomes Project 0.00020.
gnomAD v4.1: 233 of 1,614,182 alleles (0.014%); highest among the groups gnomAD compares: South Asian, 0.22%; 4 homozygotes.

Submissions (3):

CeGaT Center for Human Genetics Tuebingen
Classification: Likely benign. Last evaluated: 2026-04-01. Review status: criteria provided, single submitter. Criteria: CeGaT Center For Human Genetics Tuebingen Variant Classification Criteria Version 2. Collection method: clinical testing. Allele origin: germline. Affected: yes. Observed: 1 variant allele.
Comment: MITF: BP4, BP7

Blueprint Genetics
Classification: Likely benign. Last evaluated: 2024-09-24. Review status: criteria provided, single submitter. Criteria: ACMG Guidelines, 2015. Collection method: clinical testing. Allele origin: germline.

GeneDx
Classification: Likely benign. Last evaluated: 2018-03-13. Review status: criteria provided, single submitter. Criteria: GeneDx Variant Classification (06012015). Collection method: clinical testing. Allele origin: germline. Affected: yes.
Comment: This variant is considered likely benign or benign based on one or more of the following criteria: it is a conservative change, it occurs at a poorly conserved position in the protein, it is predicted to be benign by multiple in silico algorithms, and/or has population frequency not consistent with disease.

NM_001354604.2(MITF):c.246G>A (p.Ala82=)

Gene: MITF (melanocyte inducing transcription factor; plus strand). Cytogenetic location: 3p13.
Variant type: single nucleotide variant.
Coding change: c.246G>A on transcript NM_001354604.2 (MANE Select); coding-DNA position 246, G replaced by A.
Protein change: p.Ala82=; no amino-acid change (alanine 82 retained).
Molecular consequence: synonymous variant.
Genome position (GRCh38, 1-based): chr3:69,879,275, G>A. VCF-style: chr3-69879275-G-A. GRCh37 (hg19) VCF-style: chr3-69928426-G-A.
Other names: c.90G>A, p.Ala30= (NM_001184967.2, NM_001354608.2); c.243G>A, p.Ala81= (NM_001354605.2, NM_001354606.2, NM_006722.3); c.195G>A, p.Ala65= (NM_001354607.2); c.246G>A, p.Ala82= (NM_198159.3); c.198G>A, p.Ala66= (NM_198177.3).
Identifiers: ClinVar variation 678627 (VCV000678627.6), dbSNP rs542555095, ClinGen allele CA2490271.